The following is an entry in ClinVar:

NM_000053.4(ATP7B):c.2339T>C (p.Leu780Pro)

Gene: ATP7B (ATPase copper transporting beta; minus strand). Cytogenetic location: 13q14.3.
Variant type: single nucleotide variant.
Coding change: c.2339T>C on transcript NM_000053.4 (MANE Select); coding-DNA position 2339, T replaced by C.
Protein change: p.Leu780Pro; replaces leucine 780 with proline.
Molecular consequence: missense variant. On other transcripts: intron variant (14).
Genome position (GRCh38, 1-based): chr13:51,958,327, A>G on the plus strand (T>C on the coding strand, the complement: ATP7B is on the minus strand). VCF-style: chr13-51958327-A-G. GRCh37 (hg19) VCF-style: chr13-52532463-A-G.
Other names: c.2006T>C, p.Leu669Pro (NM_001243182.2); c.2195T>C, p.Leu732Pro (NM_001406520.1, NM_001406521.1, NM_001406522.1 and 1 more transcripts); c.2339T>C, p.Leu780Pro (NM_001406523.1, NM_001406525.1, NM_001406526.1 and 7 more transcripts); c.2162T>C, p.Leu721Pro (NM_001406524.1); c.2099T>C, p.Leu700Pro (NM_001406530.1); c.2087T>C, p.Leu696Pro (NM_001406531.1, NM_001406532.1, NM_001406540.1 and 1 more transcripts); c.1910T>C, p.Leu637Pro (NM_001406539.1); c.1991T>C, p.Leu664Pro (NM_001406543.1); and 8 more; short protein forms L637P, L664P, L669P, L696P, L700P, L721P, L732P, L748P.
Identifiers: ClinVar variation 3893194 (VCV003893194.1).
Genomic context (GRCh38, chr13:51,958,327, plus strand): 5'-TTACTGAAGGAGCAGCTCTTTTCTGAACCTGAAGCTGCTGTTACCTTTGCCAAGTGTTCC[A>G]GCCACCGGCCCAGGGCAATGAACACAAAGAGCATGGGGGGCGTGTCGAAGAATGTCACAG-3'
Protein context (NP_000044.2, residues 770-790): LFVFIALGRW[Leu780Pro]EHLAKSKTSE

ClinVar aggregate classification (germline): Uncertain significance (1 of 4 stars; one submission).

Conditions:
Wilson disease (WND). Also called: Wilson's disease. Identifiers: Orphanet 905, MedGen C0019202, MONDO:0010200, OMIM 277900. Disease mechanism: loss of function.

Submission:

Dr. Moinak Lab, Sanjay Gandhi Postgraduate Institute of Medical Sciences
Classification: Uncertain significance for Wilson disease. Last evaluated: 2024-09-20. Review status: criteria provided, single submitter. Criteria: ACMG Guidelines, 2015. Collection method: clinical testing. Allele origin: germline. Inheritance: Autosomal recessive inheritance. Affected: yes. Observed: 1 compound heterozygote.
Comment: A novel ATP7B variant, c.2339T>C, results in a single nucleotide change in exon 8 at genomic DNA position 2339 from T to C, leading to a non-synonymous substitution at codon 780, where leucine is replaced by proline (p.Leu780Pro).

Literature cited by the submitters: PubMed 36096368; PubMed 22240481; PubMed 20301685; PubMed 9654149.